The following is an entry in ClinVar:

NM_000350.3(ABCA4):c.4234C>T (p.Gln1412Ter)

Gene: ABCA4 (ATP binding cassette subfamily A member 4; minus strand). Cytogenetic location: 1p22.1.
Variant type: single nucleotide variant.
Coding change: c.4234C>T on transcript NM_000350.3 (MANE Select); coding-DNA position 4234, C replaced by T.
Protein change: p.Gln1412Ter; replaces glutamine 1412 with a stop codon.
Molecular consequence: nonsense.
Genome position (GRCh38, 1-based): chr1:94,031,015, G>A on the plus strand (C>T on the coding strand, the complement: ABCA4 is on the minus strand). VCF-style: chr1-94031015-G-A. GRCh37 (hg19) VCF-style: chr1-94496571-G-A.
Other names: c.4012C>T, p.Gln1338Ter (NM_001425324.1); short protein forms Q1412*, Q1338*.
Identifiers: ClinVar variation 99263 (VCV000099263.64), dbSNP rs61750137, ClinGen allele CA227169.
Genomic context (GRCh38, chr1:94,031,015, plus strand): 5'-CCAAACCCACAGAGGAGAATGGTGACCCCGAGTCCGCGCACCTGAAGAAGGTGTACTGCT[G>A]CCCATATATCCAGGGGTGAAGGGTCAAAGCGGGGTATTCGCCAAAAGGAGGGATAACAAT-3'

ClinVar aggregate classification (germline): Conflicting classifications of pathogenicity. Review status: criteria provided, conflicting classifications (1 of 4 stars). 15 submissions from 14 submitters: Pathogenic (13); Uncertain significance (1). 1 of the submissions does not count toward it. Last evaluated 2026-03-03.

Conditions:
ABCA4-related disorder. Also called: ABCA4-related condition; ABCA4-related disorders. Identifiers: MedGen CN239167.
Retinal dystrophy. Also called: Inherited retinal dystrophy. Identifiers: Orphanet 71862, MedGen C0854723, MeSH D058499, MONDO:0019118, HP:0000556.
Severe early-childhood-onset retinal dystrophy (STGD1). Also called: MACULAR DYSTROPHY WITH FLECKS, TYPE 1; STGD; Stargardt macular dystrophy; Juvenile onset macular degeneration; Stargardt disease 1. Identifiers: Orphanet 364055, Orphanet 827, MedGen C1855465, MeSH D000080362, MONDO:0009549, OMIM 248200.
Cone-rod dystrophy 3 (CORD3). Identifiers: Orphanet 1872, MedGen C1858806, MONDO:0011395, OMIM 604116.
Age related macular degeneration 2. Also called: MACULAR DEGENERATION, SENILE; MACULOPATHY, AGE-RELATED, 2; MACULOPATHY, AGE-RELATED. Identifiers: MedGen C3495438, MONDO:0007932, OMIM 153800.
Retinitis pigmentosa 19 (RP19). Also called: ABCA4-Related Retinitis Pigmentosa. Identifiers: Orphanet 791, MedGen C1866422, MONDO:0011137, OMIM 601718.
Retinitis pigmentosa (RP). Identifiers: Orphanet 791, MedGen C0035334, MeSH D012174, MONDO:0019200, OMIM 268000. Inheritance: Autosomal dominant, autosomal recessive and X linked inheritance.

Allele frequency attached by ClinVar (database versions not stated): gnomAD exomes below 0.00001 and 0.00002; gnomAD 0.00001.
gnomAD v4.1: 30 of 1,613,960 alleles (0.0019%); highest among the groups gnomAD compares: Non-Finnish European, 0.0023%; no homozygotes.

Submissions (15):

Institute of Human Genetics, University of Leipzig Medical Center
Classification: Pathogenic for Severe early-childhood-onset retinal dystrophy. Last evaluated: 2026-03-03. Review status: criteria provided, single submitter. Criteria: ACMG Guidelines, 2015. Collection method: clinical testing. Allele origin: unknown. Inheritance: Autosomal recessive inheritance. Affected: yes.
Comment: Criteria applied: PVS1,PM2_SUP,PP4; Identified as compund heterozygous with NM_000350.3:c.5603A>T

Labcorp Genetics (formerly Invitae), Labcorp
Classification: Pathogenic. Last evaluated: 2025-12-30. Review status: criteria provided, single submitter. Criteria: Invitae Variant Classification Sherloc (09022015). Collection method: clinical testing. Allele origin: germline.
Comment: This sequence change creates a premature translational stop signal (p.Gln1412*) in the ABCA4 gene. It is expected to result in an absent or disrupted protein product. Loss-of-function variants in ABCA4 are known to be pathogenic (PMID: 10958761, 24938718, 25312043, 26780318). This variant is present in population databases (rs61750137, gnomAD 0.002%). This premature translational stop signal has been observed in individuals with various forms of retinal disease (PMID: 10090887, 24713488, 25283059, 28559085, 29847651). ClinVar contains an entry for this variant (Variation ID: 99263). Algorithms developed to predict the effect of sequence changes on RNA splicing suggest that this variant may disrupt the consensus splice site. For these reasons, this variant has been classified as Pathogenic.

Research Institute for Ophthalmology and Vision Science, Shahid Beheshti University of Medical Sciences
Classification: Pathogenic for Severe early-childhood-onset retinal dystrophy. Last evaluated: 2025-12-07. Review status: criteria provided, single submitter. Criteria: ACMG Guidelines, 2015. Collection method: research. Allele origin: inherited. Inheritance: Autosomal recessive inheritance. Affected: yes.
Comment: This variant is a null variant with an extremely low frequency in gnomAD databases. It has been found in a homozygous state in patients and co-segregates with the disease in multiple affected family members. It is also reported as pathogenic by other ClinVar submitters.

CeGaT Center for Human Genetics Tuebingen
Classification: Pathogenic. Last evaluated: 2025-09-01. Review status: criteria provided, single submitter. Criteria: CeGaT Center For Human Genetics Tuebingen Variant Classification Criteria Version 2. Collection method: clinical testing. Allele origin: germline. Affected: yes. Observed: 16 variant alleles.
Comment: ABCA4: PM3:Very Strong, PVS1, PM2

Blueprint Genetics
Classification: Pathogenic for ABCA4-related disorders. Last evaluated: 2024-10-14. Review status: criteria provided, single submitter. Criteria: ACMG Guidelines, 2015. Collection method: clinical testing. Allele origin: germline. Affected: yes. Observed: 5 variant alleles.

Fulgent Genetics
Classification: Pathogenic for Age related macular degeneration 2; Severe early-childhood-onset retinal dystrophy; Retinitis pigmentosa 19; Cone-rod dystrophy 3. Last evaluated: 2024-05-07. Review status: criteria provided, single submitter. Criteria: ACMG Guidelines, 2015. Collection method: clinical testing. Allele origin: germline.

Women's Health and Genetics/Laboratory Corporation of America, LabCorp
Classification: Pathogenic for Retinitis pigmentosa. Last evaluated: 2023-02-01. Review status: criteria provided, single submitter. Criteria: LabCorp Variant Classification Summary - May 2015. Collection method: clinical testing. Allele origin: germline.
Comment: Variant summary: ABCA4 c.4234C>T (p.Gln1412X) results in a premature termination codon, predicted to cause a truncation of the encoded protein or absence of the protein due to nonsense mediated decay, which are commonly known mechanisms for disease. Truncations downstream of this position have been classified as pathogenic in ClinVar. The variant allele was found at a frequency of 4e-06 in 251372 control chromosomes (gnomAD). c.4234C>T has been reported in the literature in individuals affected with various forms of retinal disease (example: Maugeri_1999, Bertelsen_2014, Duncker_2015). These data indicate that the variant is very likely to be associated with disease. Ten clinical diagnostic laboratories have submitted clinical-significance assessments for this variant to ClinVar after 2014 and all classified the variant as pathogenic. Based on the evidence outlined above, the variant was classified as pathogenic.

Institute of Human Genetics, Univ. Regensburg, Univ. Regensburg
Classification: Pathogenic for Retinal dystrophy. Last evaluated: 2023-01-01. Review status: criteria provided, single submitter. Criteria: ACMG Guidelines, 2015. Collection method: clinical testing. Allele origin: germline. Affected: yes.

MGZ Medical Genetics Center
Classification: Pathogenic for Severe early-childhood-onset retinal dystrophy. Last evaluated: 2022-07-26. Review status: criteria provided, single submitter. Criteria: ACMG Guidelines, 2015. Collection method: clinical testing. Allele origin: germline. Affected: yes. Observed: 2 variant alleles.
Comment: ACMG criteria applied: PVS1, PS4_MOD, PM3

3billion
Classification: Pathogenic for Severe early-childhood-onset retinal dystrophy. Last evaluated: 2022-01-03. Review status: criteria provided, single submitter. Criteria: ACMG Guidelines, 2015. Collection method: clinical testing. Allele origin: germline. Affected: yes. Observed: 1 heterozygote.
Comment: Stop-gained (nonsense): predicted to result in a loss or disruption of normal protein function through nonsense-mediated decay (NMD) or protein truncation. Multiple pathogenic variants are reported downstream of the variant (PVS1_VS). It is observed at an extremely low frequency in the gnomAD v2.1.1 dataset (total allele frequency: 0.000007, PM2_M). The variant has been reported at least twice as pathogenic/likely pathogenic with clinical assertions and evidence for the classification (ClinVar ID: VCV000099263, PMID:10090887). Therefore, this variant is classified as pathogenic according to the recommendation of ACMG/AMP guideline.

GeneDx
Classification: Pathogenic. Last evaluated: 2021-12-22. Review status: criteria provided, single submitter. Criteria: GeneDx Variant Classification Process June 2021. Collection method: clinical testing. Allele origin: germline. Affected: yes.
Comment: Nonsense variant predicted to result in protein truncation or nonsense mediated decay in a gene for which loss-of-function is a known mechanism of disease; Not observed at significant frequency in large population cohorts (Lek et al., 2016); This variant is associated with the following publications: (PMID: 25640233, 25283059, 10090887, 25525159, 24713488, 29555955, 29847651, 30204727, 29925512, 28559085, 28118664, 31574917, 29854428, 26806561, 26103963, 31766579)

Institute of Medical Genetics and Applied Genomics, University Hospital Tübingen
Classification: Pathogenic. Last evaluated: 2020-10-23. Review status: criteria provided, single submitter. Criteria: ACMG Guidelines, 2015. Collection method: clinical testing. Allele origin: germline. Inheritance: Autosomal recessive inheritance. Affected: yes.

Cambridge Genomics Laboratory, East Genomic Laboratory Hub, NHS Genomic Medicine Service
Classification: Uncertain significance for Severe early-childhood-onset retinal dystrophy. Last evaluated: 2020-06-18. Review status: criteria provided, single submitter. Criteria: ACGS Best Practice Guidelines for Variant Classification in Rare Disease 2020. Collection method: clinical testing. Allele origin: germline. Affected: yes. Observed: 1 variant allele.

Institute of Human Genetics, Univ. Regensburg, Univ. Regensburg
Classification: Pathogenic for Severe early-childhood-onset retinal dystrophy. Last evaluated: 2016-01-01. Review status: criteria provided, single submitter. Criteria: Schulz et al. (Invest Ophthalmol Vis Sci. 2017). Collection method: clinical testing. Allele origin: germline. Affected: yes. Observed: 11 heterozygotes.

Retina International
No classification provided. Review status: no classification provided. Collection method: not provided. Allele origin: not provided. Not counted in ClinVar's aggregate classification.

Literature cited by the submitters: PubMed 10958761 (cited by Labcorp Genetics (formerly Invitae), Labcorp); PubMed 24938718 (cited by Labcorp Genetics (formerly Invitae), Labcorp); PubMed 25312043 (cited by Labcorp Genetics (formerly Invitae), Labcorp); PubMed 26780318 (cited by Labcorp Genetics (formerly Invitae), Labcorp); PubMed 10090887 (cited by 4 submitters); PubMed 24713488 (cited by 3 submitters); PubMed 25283059 (cited by 3 submitters); PubMed 28559085 (cited by Labcorp Genetics (formerly Invitae), Labcorp and Institute of Human Genetics, Univ. Regensburg, Univ. Regensburg); PubMed 29847651 (cited by Labcorp Genetics (formerly Invitae), Labcorp and Institute of Human Genetics, Univ. Regensburg, Univ. Regensburg); PubMed 23982839 (cited by Research Institute for Ophthalmology and Vision Science, Shahid Beheshti University of Medical Sciences); PubMed 25640233 (cited by Institute of Human Genetics, Univ. Regensburg, Univ. Regensburg); PubMed 25525159 (cited by Institute of Human Genetics, Univ. Regensburg, Univ. Regensburg); PubMed 29555955 (cited by Institute of Human Genetics, Univ. Regensburg, Univ. Regensburg); PubMed 30204727 (cited by Institute of Human Genetics, Univ. Regensburg, Univ. Regensburg); PubMed 29925512 (cited by Institute of Human Genetics, Univ. Regensburg, Univ. Regensburg); PubMed 31964843 (cited by Institute of Human Genetics, Univ. Regensburg, Univ. Regensburg); PubMed 32307445 (cited by Institute of Human Genetics, Univ. Regensburg, Univ. Regensburg); PubMed 32531858 (cited by Institute of Human Genetics, Univ. Regensburg, Univ. Regensburg); PubMed 33749171 (cited by Institute of Human Genetics, Univ. Regensburg, Univ. Regensburg); PubMed 35119454 (cited by Institute of Human Genetics, Univ. Regensburg, Univ. Regensburg); PubMed 35836572 (cited by Institute of Human Genetics, Univ. Regensburg, Univ. Regensburg).